The following is an entry in ClinVar:

ClinVar aggregate classification (germline): Uncertain significance (1 of 4 stars; one submission).

Submission:

Ambry Genetics
Classification: Uncertain significance. Last evaluated: 2025-06-28. Review status: criteria provided, single submitter. Criteria: Ambry Variant Classification Scheme 2023. Collection method: clinical testing. Allele origin: germline.
Comment: The p.V34I variant (also known as c.100G>A), located in coding exon 1 of the RASA2 gene, results from a G to A substitution at nucleotide position 100. The valine at codon 34 is replaced by isoleucine, an amino acid with highly similar properties. This amino acid position is conserved. In addition, this alteration is predicted to be tolerated by in silico analysis. Based on the available evidence, the clinical significance of this variant remains unclear.

NM_006506.5(RASA2):c.100G>A (p.Val34Ile)

Genes: RASA2 (RAS p21 protein activator 2; plus strand), LOC129937686 (ATAC-STARR-seq lymphoblastoid silent region 14777; plus strand). Cytogenetic location: 3q23.
Variant type: single nucleotide variant.
Coding change: c.100G>A on transcript NM_006506.5 (MANE Select); coding-DNA position 100, G replaced by A.
Protein change: p.Val34Ile; replaces valine 34 with isoleucine.
Molecular consequence: missense variant.
Genome position (GRCh38, 1-based): chr3:141,487,183, G>A. VCF-style: chr3-141487183-G-A. GRCh37 (hg19) VCF-style: chr3-141206025-G-A.
Other names: c.100G>A, p.Val34Ile (NM_001303245.3, NM_001303246.3); short protein forms V34I.
Identifiers: ClinVar variation 4150731 (VCV004150731.1).